The following is an entry in ClinVar:

NM_017534.6(MYH2):c.1729G>A (p.Glu577Lys)

Genes: MYH2 (myosin heavy chain 2; minus strand), MYHAS (myosin heavy chain gene cluster antisense RNA; plus strand). Cytogenetic location: 17p13.1.
Variant type: single nucleotide variant.
Coding change: c.1729G>A on transcript NM_017534.6 (MANE Select); coding-DNA position 1729, G replaced by A.
Protein change: p.Glu577Lys; replaces glutamic acid 577 with lysine.
Molecular consequence: missense variant.
Genome position (GRCh38, 1-based): chr17:10,537,401, C>T on the plus strand (G>A on the coding strand, the complement: MYH2 is on the minus strand). VCF-style: chr17-10537401-C-T. GRCh37 (hg19) VCF-style: chr17-10440718-C-T.
Other names: c.1729G>A (NM_017534.5); c.1729G>A, p.Glu577Lys (NM_001100112.2); short protein forms E577K.
Identifiers: ClinVar variation 1371198 (VCV001371198.9), dbSNP rs564509544, ClinGen allele CA8391306.

ClinVar aggregate classification (germline): Uncertain significance. Review status: criteria provided, multiple submitters, no conflicts (2 of 4 stars). 3 submissions from 3 submitters: Uncertain significance (3). Last evaluated 2024-08-20.

Conditions:
Inborn genetic diseases. Identifiers: MedGen C0950123, MeSH D030342.
Myopathy, proximal, and ophthalmoplegia (CMYO6). Also called: INCLUSION BODY MYOPATHY 3, AUTOSOMAL DOMINANT; MYOPATHY WITH CONGENITAL JOINT CONTRACTURES, OPHTHALMOPLEGIA, AND RIMMED VACUOLES; CONGENITAL MYOPATHY 6 WITH OPHTHALMOPLEGIA. Identifiers: Orphanet 363677, Orphanet 79091, MedGen C1854106, MONDO:0011577, OMIM 605637.

Allele frequency attached by ClinVar (database versions not stated): gnomAD exomes 0.00008 and 0.00004; ExAC 0.00010; gnomAD 0.00013 and 0.00018; TOPMed 0.00008.
gnomAD v4.1: 81 of 1,614,040 alleles (0.005%); highest among the groups gnomAD compares: East Asian, 0.0045%; no homozygotes.

Submissions (3):

GeneDx
Classification: Uncertain significance. Last evaluated: 2024-08-20. Review status: criteria provided, single submitter. Criteria: GeneDx Variant Classification Process June 2021. Collection method: clinical testing. Allele origin: germline.
Comment: In silico analysis supports that this missense variant has a deleterious effect on protein structure/function; Has not been previously published as pathogenic or benign to our knowledge

Ambry Genetics
Classification: Uncertain significance for Inborn genetic diseases. Last evaluated: 2024-01-02. Review status: criteria provided, single submitter. Criteria: Ambry Variant Classification Scheme 2023. Collection method: clinical testing. Allele origin: germline.

Labcorp Genetics (formerly Invitae), Labcorp
Classification: Uncertain significance for Myopathy, proximal, and ophthalmoplegia. Last evaluated: 2022-11-08. Review status: criteria provided, single submitter. Criteria: Invitae Variant Classification Sherloc (09022015). Collection method: clinical testing. Allele origin: germline.
Comment: This variant has not been reported in the literature in individuals affected with MYH2-related conditions. ClinVar contains an entry for this variant (Variation ID: 1371198). Algorithms developed to predict the effect of missense changes on protein structure and function (SIFT, PolyPhen-2, Align-GVGD) all suggest that this variant is likely to be disruptive. This sequence change replaces glutamic acid, which is acidic and polar, with lysine, which is basic and polar, at codon 577 of the MYH2 protein (p.Glu577Lys). This variant is present in population databases (rs564509544, gnomAD 0.04%). In summary, the available evidence is currently insufficient to determine the role of this variant in disease. Therefore, it has been classified as a Variant of Uncertain Significance.